The following is an entry in ClinVar:

NM_004287.5(GOSR2):c.*1733A>G

Genes: GOSR2 (golgi SNAP receptor complex member 2; plus strand), LRRC37A2 (leucine rich repeat containing 37 member A2). Cytogenetic location: 17q21.32.
Variant type: single nucleotide variant.
Coding change: c.*1733A>G on transcript NM_004287.5 (MANE Select); 1733 bases downstream of the stop codon, A replaced by G.
Molecular consequence: 3 prime UTR variant. On other transcripts: intron variant (3).
Genome position (GRCh38, 1-based): chr17:46,940,493, A>G. VCF-style: chr17-46940493-A-G. GRCh37 (hg19) VCF-style: chr17-45017859-A-G.
Other names: c.*1733A>G (NM_001321134.2, NM_001330252.2, NM_001353114.2 and 2 more transcripts); c.583+1789A>G (NM_001321133.2); c.584-62A>G (NM_054022.4); c.440-62A>G (NM_001353116.2).
Identifiers: ClinVar variation 323846 (VCV000323846.10), dbSNP rs758392, ClinGen allele CA10639949.

ClinVar aggregate classification (germline): Benign. Review status: criteria provided, multiple submitters, no conflicts (2 of 4 stars). 3 submissions from 3 submitters: Benign (3). Last evaluated 2024-07-15.

Allele frequency attached by ClinVar (database versions not stated): TOPMed 0.40484; 1000 Genomes Project 30x 0.40974; 1000 Genomes Project 0.41134; gnomAD 0.41414 and 0.41602; ESP Exome Variant Server 0.42072; gnomAD exomes 0.45057.
gnomAD v4.1: 719,829 of 1,612,464 alleles (45%); highest among the groups gnomAD compares: South Asian, 47%; 162,662 homozygotes.

Submissions (3):

Unidad de Genómica Garrahan, Hospital de Pediatría Garrahan
Classification: Benign. Last evaluated: 2024-07-15. Review status: criteria provided, single submitter. Criteria: ACMG Guidelines, 2015. Collection method: clinical testing. Allele origin: germline. Affected: no. Observed: 59 variant alleles.
Comment: This variant is classified as Benign based on local population frequency. This variant was detected in 63% of patients studied in a panel designed for Epileptic and Developmental Encephalopathy and Progressive Myoclonus Epilepsy. Number of patients: 59. Only high quality variants are reported.

GeneDx
Classification: Benign. Last evaluated: 2018-06-14. Review status: criteria provided, single submitter. Criteria: GeneDx Variant Classification Process June 2021. Collection method: clinical testing. Allele origin: germline. Affected: yes.

Breakthrough Genomics
Classification: Benign. Review status: criteria provided, single submitter. Criteria: ACMG Guidelines, 2015. Collection method: not provided. Allele origin: germline. Inheritance: Autosomal recessive inheritance. Affected: yes.